The following is an entry in ClinVar:

NM_022124.6(CDH23):c.9170G>A (p.Arg3057Gln)

Gene: CDH23 (cadherin related 23; plus strand). Cytogenetic location: 10q22.1.
Variant type: single nucleotide variant.
Coding change: c.9170G>A on transcript NM_022124.6 (MANE Select); coding-DNA position 9170, G replaced by A.
Protein change: p.Arg3057Gln; replaces arginine 3057 with glutamine.
Molecular consequence: missense variant.
Genome position (GRCh38, 1-based): chr10:71,811,407, G>A. VCF-style: chr10-71811407-G-A. GRCh37 (hg19) VCF-style: chr10-73571164-G-A.
Other names: c.2450G>A, p.Arg817Gln (NM_001171933.1, NM_001171934.1); short protein forms R3057Q, R817Q.
Identifiers: ClinVar variation 969466 (VCV000969466.7), dbSNP rs372141384, ClinGen allele CA5546901.

ClinVar aggregate classification (germline): Uncertain significance. Review status: criteria provided, multiple submitters, no conflicts (2 of 4 stars). 5 submissions from 5 submitters: Uncertain significance (4). 1 of the submissions does not count toward it. Last evaluated 2025-10-21.

Conditions:
Inborn genetic diseases. Identifiers: MedGen C0950123, MeSH D030342.
Usher syndrome type 1 (USH1). Also called: RETINITIS PIGMENTOSA AND CONGENITAL DEAFNESS. Identifiers: Orphanet 231169, Orphanet 886, MedGen C1568247, MONDO:0010168, OMIM 276900.

Allele frequency attached by ClinVar (database versions not stated): ExAC 0.00005; gnomAD 0.00005 and 0.00007; TOPMed 0.00005; gnomAD exomes 0.00006; ESP Exome Variant Server 0.00008.
gnomAD v4.1: 63 of 1,613,930 alleles (0.0039%); highest among the groups gnomAD compares: South Asian, 0.043%; 1 homozygote.

Submissions (5):

Ambry Genetics
Classification: Uncertain significance for Inborn genetic diseases. Last evaluated: 2025-10-21. Review status: criteria provided, single submitter. Criteria: Ambry Variant Classification Scheme 2023. Collection method: clinical testing. Allele origin: germline.

Blueprint Genetics
Classification: Uncertain significance. Last evaluated: 2024-09-19. Review status: criteria provided, single submitter. Criteria: ACMG Guidelines, 2015. Collection method: clinical testing. Allele origin: germline.

GeneDx
Classification: Uncertain significance. Last evaluated: 2024-05-31. Review status: criteria provided, single submitter. Criteria: GeneDx Variant Classification Process June 2021. Collection method: clinical testing. Allele origin: germline. Affected: yes.
Comment: In silico analysis indicates that this missense variant does not alter protein structure/function; Has not been previously published as pathogenic or benign to our knowledge

Labcorp Genetics (formerly Invitae), Labcorp
Classification: Uncertain significance. Last evaluated: 2022-09-13. Review status: criteria provided, single submitter. Criteria: Invitae Variant Classification Sherloc (09022015). Collection method: clinical testing. Allele origin: germline.
Comment: This sequence change replaces arginine, which is basic and polar, with glutamine, which is neutral and polar, at codon 3057 of the CDH23 protein (p.Arg3057Gln). This variant is present in population databases (rs372141384, gnomAD 0.04%). This variant has not been reported in the literature in individuals affected with CDH23-related conditions. ClinVar contains an entry for this variant (Variation ID: 969466). Advanced modeling of protein sequence and biophysical properties (such as structural, functional, and spatial information, amino acid conservation, physicochemical variation, residue mobility, and thermodynamic stability) performed at Invitae indicates that this missense variant is not expected to disrupt CDH23 protein function. Algorithms developed to predict the effect of sequence changes on RNA splicing suggest that this variant may create or strengthen a splice site. In summary, the available evidence is currently insufficient to determine the role of this variant in disease. Therefore, it has been classified as a Variant of Uncertain Significance.

Natera, Inc.
Classification: Uncertain significance for Usher syndrome type 1. Last evaluated: 2020-06-01. Review status: no assertion criteria provided. Collection method: clinical testing. Allele origin: germline. Not counted in ClinVar's aggregate classification.